The following is an entry in ClinVar:

NM_145068.4(TRPV3):c.95C>G (p.Ala32Gly)

Gene: TRPV3 (transient receptor potential cation channel subfamily V member 3; minus strand). Cytogenetic location: 17p13.2.
Variant type: single nucleotide variant.
Coding change: c.95C>G on transcript NM_145068.4 (MANE Select); coding-DNA position 95, C replaced by G.
Protein change: p.Ala32Gly; replaces alanine 32 with glycine.
Molecular consequence: missense variant.
Genome position (GRCh38, 1-based): chr17:3,554,756, G>C on the plus strand (C>G on the coding strand, the complement: TRPV3 is on the minus strand). VCF-style: chr17-3554756-G-C. GRCh37 (hg19) VCF-style: chr17-3458050-G-C.
Other names: c.95C>G, p.Ala32Gly (NM_001258205.2); short protein forms A32G.
Identifiers: ClinVar variation 322798 (VCV000322798.15), dbSNP rs115770751, ClinGen allele CA8290023.

ClinVar aggregate classification (germline): Benign. Review status: criteria provided, multiple submitters, no conflicts (2 of 4 stars). 3 submissions from 3 submitters: Benign (3). Last evaluated 2026-01-18.

Conditions:
Isolated focal non-epidermolytic palmoplantar keratoderma. Also called: Palmoplantar keratoderma, nonepidermolytic, focal 2. Identifiers: Orphanet 448264, MedGen C4225339, MONDO:0014622, OMIM 616400.

Allele frequency attached by ClinVar (database versions not stated): 1000 Genomes Project 0.01238; TOPMed 0.01433; ESP Exome Variant Server 0.01361; 1000 Genomes Project 30x 0.01265.
gnomAD v4.1: 4,049 of 1,612,180 alleles (0.25%); highest among the groups gnomAD compares: African/African-American, 4.6%; 83 homozygotes.

Submissions (3):

Labcorp Genetics (formerly Invitae), Labcorp
Classification: Benign. Last evaluated: 2026-01-18. Review status: criteria provided, single submitter. Criteria: Invitae Variant Classification Sherloc (09022015). Collection method: clinical testing. Allele origin: germline.

Illumina Laboratory Services, Illumina
Classification: Benign for Isolated focal non-epidermolytic palmoplantar keratoderma. Last evaluated: 2018-01-13. Review status: criteria provided, single submitter. Criteria: ICSL Variant Classification Criteria 13 December 2019. Collection method: clinical testing. Allele origin: germline.
Comment: This variant was observed in the ICSL laboratory as part of a predisposition screen in an ostensibly healthy population. It had not been previously curated by ICSL or reported in the Human Gene Mutation Database (HGMD: prior to June 1st, 2018), and was therefore a candidate for classification through an automated scoring system. Utilizing variant allele frequency, disease prevalence and penetrance estimates, and inheritance mode, an automated score was calculated to assess if this variant is too frequent to cause the disease. Based on the score and internal cut-off values, a variant classified as benign is not then subjected to further curation. The score for this variant resulted in a classification of benign for this disease.

Breakthrough Genomics
Classification: Benign. Review status: criteria provided, single submitter. Criteria: ACMG Guidelines, 2015. Collection method: not provided. Allele origin: germline. Inheritance: Autosomal dominant inheritance. Affected: yes.